The following is an entry in ClinVar:

NM_152594.3(SPRED1):c.208-12G>A

Gene: SPRED1 (sprouty related EVH1 domain containing 1; plus strand). Cytogenetic location: 15q14.
Variant type: single nucleotide variant.
Coding change: c.208-12G>A on transcript NM_152594.3 (MANE Select); 12 bases into the intron before coding-DNA position 208, G replaced by A.
Molecular consequence: intron variant.
Genome position (GRCh38, 1-based): chr15:38,322,229, G>A. VCF-style: chr15-38322229-G-A. GRCh37 (hg19) VCF-style: chr15-38614430-G-A.
Identifiers: ClinVar variation 1711888 (VCV001711888.5), dbSNP rs2542695352, ClinGen allele CA2580089297.

ClinVar aggregate classification (germline): Uncertain significance. Review status: criteria provided, multiple submitters, no conflicts (2 of 4 stars). 2 submissions from 2 submitters: Uncertain significance (2). Last evaluated 2023-02-11.

Conditions:
Legius syndrome. Identifiers: Orphanet 137605, MedGen C1969623, MONDO:0012669, OMIM 611431. Disease mechanism: loss of function.

Submissions (2):

Labcorp Genetics (formerly Invitae), Labcorp
Classification: Uncertain significance for Legius syndrome. Last evaluated: 2023-02-11. Review status: criteria provided, single submitter. Criteria: Invitae Variant Classification Sherloc (09022015). Collection method: clinical testing. Allele origin: germline.
Comment: In summary, the available evidence is currently insufficient to determine the role of this variant in disease. Therefore, it has been classified as a Variant of Uncertain Significance. Algorithms developed to predict the effect of sequence changes on RNA splicing suggest that this variant may disrupt the consensus splice site. ClinVar contains an entry for this variant (Variation ID: 1711888). This variant has not been reported in the literature in individuals affected with SPRED1-related conditions. This variant is not present in population databases (gnomAD no frequency). This sequence change falls in intron 2 of the SPRED1 gene. It does not directly change the encoded amino acid sequence of the SPRED1 protein.

GeneDx
Classification: Uncertain significance. Last evaluated: 2022-04-21. Review status: criteria provided, single submitter. Criteria: GeneDx Variant Classification Process June 2021. Collection method: clinical testing. Allele origin: germline. Affected: yes.
Comment: Not observed at significant frequency in large population cohorts (gnomAD); In silico analysis supports a deleterious effect on splicing; Has not been previously published as pathogenic or benign to our knowledge